The following is an entry in ClinVar:

NM_000807.4(GABRA2):c.1194G>T (p.Lys398Asn)

Gene: GABRA2 (gamma-aminobutyric acid type A receptor subunit alpha2; minus strand). Cytogenetic location: 4p12.
Variant type: single nucleotide variant.
Coding change: c.1194G>T on transcript NM_000807.4 (MANE Select); coding-DNA position 1194, G replaced by T.
Protein change: p.Lys398Asn; replaces lysine 398 with asparagine.
Molecular consequence: missense variant.
Genome position (GRCh38, 1-based): chr4:46,250,470, C>A on the plus strand (G>T on the coding strand, the complement: GABRA2 is on the minus strand). VCF-style: chr4-46250470-C-A. GRCh37 (hg19) VCF-style: chr4-46252487-C-A.
Other names: c.1194G>T, p.Lys398Asn (NM_001114175.3, NM_001377146.1, NM_001377147.1 and 4 more transcripts); c.1209G>T, p.Lys403Asn (NM_001286827.3); c.1374G>T, p.Lys458Asn (NM_001330690.2, NM_001377144.1, NM_001377145.1); c.1029G>T, p.Lys343Asn (NM_001377152.1, NM_001377153.1, NM_001377154.1); short protein forms K458N, K343N, K403N, K398N.
Identifiers: ClinVar variation 2114978 (VCV002114978.4), dbSNP rs2475198514, ClinGen allele CA356802453.

ClinVar aggregate classification (germline): Uncertain significance (1 of 4 stars; one submission).

Allele frequency attached by ClinVar (database versions not stated): gnomAD exomes below 0.00001.
gnomAD v4.1: 2 of 1,612,146 alleles (0.00012%); highest among the groups gnomAD compares: Non-Finnish European, 0.00017%; no homozygotes.

Submission:

Labcorp Genetics (formerly Invitae), Labcorp
Classification: Uncertain significance. Last evaluated: 2022-10-14. Review status: criteria provided, single submitter. Criteria: Invitae Variant Classification Sherloc (09022015). Collection method: clinical testing. Allele origin: germline.
Comment: This sequence change replaces lysine, which is basic and polar, with asparagine, which is neutral and polar, at codon 458 of the GABRA2 protein (p.Lys458Asn). This variant is not present in population databases (gnomAD no frequency). This variant has not been reported in the literature in individuals affected with GABRA2-related conditions. Experimental studies and prediction algorithms are not available or were not evaluated, and the functional significance of this variant is currently unknown. Algorithms developed to predict the effect of sequence changes on RNA splicing suggest that this variant may disrupt the consensus splice site. In summary, the available evidence is currently insufficient to determine the role of this variant in disease. Therefore, it has been classified as a Variant of Uncertain Significance.